The following is an entry in ClinVar:

NM_005618.4(DLL1):c.845dup (p.Leu283fs)

Gene: DLL1 (delta like canonical Notch ligand 1; minus strand). Cytogenetic location: 6q27.
Variant type: Duplication.
Coding change: c.845dup on transcript NM_005618.4 (MANE Select); coding-DNA position 845, one base duplicated (G; older notation c.845dupG).
Protein change: p.Leu283fs; shifts the reading frame from leucine 283.
Molecular consequence: frameshift variant.
Genome position (GRCh38, 1-based): chr6:170,285,586, C duplicated on the plus strand (G on the coding strand, the reverse complement: DLL1 is on the minus strand); the first of 7 consecutive C bases (chr6:170,285,586-170,285,592); duplicating any one gives the same sequence. VCF-style (leftmost placement, unchanged base first): chr6-170285585-G-GC. GRCh37 (hg19) VCF-style: chr6-170594673-G-GC.
Other names: c.845dupG (NM_005618.3); c.845dup (NM_005618.3); short protein forms L283fs.
Identifiers: ClinVar variation 1098334 (VCV001098334.5), dbSNP rs760008381, ClinGen allele CA4107013.

ClinVar aggregate classification (germline): Conflicting classifications of pathogenicity. Review status: criteria provided, conflicting classifications (1 of 4 stars). 3 submissions from 3 submitters: Pathogenic (2); Uncertain significance (1). Last evaluated 2024-05-04.

Conditions:
Neurodevelopmental disorder with nonspecific brain abnormalities and with or without seizures. Identifiers: MedGen C5231470, MONDO:0032877, OMIM 618709.

Submissions (3):

GeneDx
Classification: Uncertain significance. Last evaluated: 2024-05-04. Review status: criteria provided, single submitter. Criteria: GeneDx Variant Classification Process June 2021. Collection method: clinical testing. Allele origin: germline. Affected: yes.
Comment: Frameshift variant predicted to result in protein truncation or nonsense mediated decay in a gene for which loss of function is a known mechanism of disease; Has not been previously published as pathogenic or benign to our knowledge

Women's Health and Genetics/Laboratory Corporation of America, LabCorp
Classification: Pathogenic for Neurodevelopmental disorder with nonspecific brain abnormalities and with or without seizures. Last evaluated: 2022-08-24. Review status: criteria provided, single submitter. Criteria: LabCorp Variant Classification Summary - May 2015. Collection method: clinical testing. Allele origin: germline.
Comment: Variant summary: DLL1 c.845dupG (p.Leu283ProfsX14) results in a premature termination codon, predicted to cause a truncation of the encoded protein or absence of the protein due to nonsense mediated decay, which are commonly known mechanisms for disease. Truncations downstream of this position have been classified as pathogenic in ClinVar (e.g. c.2044_2045del (p.Arg682fs), c.1525C>T (p.Arg509X)). The variant allele was found at a frequency of 1.6e-05 in 250746 control chromosomes (gnomAD). c.845dupG has been reported in at least one de novo occurrence (LabCorp internal data). These data indicate that the variant is likely to be associated with disease. To our knowledge, no experimental evidence demonstrating its impact on protein function have been reported in the literature. One submitter has provided a clinical-significance assessment for this variant to ClinVar after 2014 and classified the variant as pathogenic. Based on the evidence outlined above, the variant was classified as pathogenic.

Genetics Laboratory, UDIAT-Centre Diagnòstic, Hospital Universitari Parc Tauli
Classification: Pathogenic. Last evaluated: 2021-04-26. Review status: criteria provided, single submitter. Criteria: Parc Tauli Hospital Assertion Criteria 2021. Collection method: clinical testing. Allele origin: de novo. Inheritance: Autosomal dominant inheritance. Affected: yes. Observed: 1 heterozygote.
Comment: PVS1_very strong;PM2_supporting;PM6_moderate